The following is an entry in ClinVar:

NM_024996.7(GFM1):c.77A>G (p.Lys26Arg)

Gene: GFM1 (G elongation factor mitochondrial 1; plus strand). Cytogenetic location: 3q25.32.
Variant type: single nucleotide variant.
Coding change: c.77A>G on transcript NM_024996.7 (MANE Select); coding-DNA position 77, A replaced by G.
Protein change: p.Lys26Arg; replaces lysine 26 with arginine.
Molecular consequence: missense variant. On other transcripts: 5 prime UTR variant (4), non-coding transcript variant (4).
Genome position (GRCh38, 1-based): chr3:158,644,711, A>G. VCF-style: chr3-158644711-A-G. GRCh37 (hg19) VCF-style: chr3-158362500-A-G.
Other names: p.K26R:AAG>AGG; c.77A>G, p.Lys26Arg (NM_001308164.2, NM_001308166.2, NM_001374355.1 and 2 more transcripts); c.-315A>G (NM_001374357.1); c.-153A>G (NM_001374359.1, NM_001374360.1, NM_001374361.1); short protein forms K26R.
Identifiers: ClinVar variation 214482 (VCV000214482.15), dbSNP rs574200635, ClinGen allele CA319884.

ClinVar aggregate classification (germline): Benign. Review status: criteria provided, multiple submitters, no conflicts (2 of 4 stars). 3 submissions from 3 submitters: Benign (3). Last evaluated 2026-01-29.

Conditions:
Hepatoencephalopathy due to combined oxidative phosphorylation defect type 1. Also called: HEPATOENCEPHALOPATHY, EARLY FATAL PROGRESSIVE. Identifiers: Orphanet 137681, MedGen C1836797, MONDO:0012191, OMIM 609060.

Allele frequency attached by ClinVar (database versions not stated): gnomAD 0.00002 and 0.00080; TOPMed 0.00016; gnomAD exomes 0.00120 and 0.00282; ExAC 0.00630; 1000 Genomes Project 30x 0.00843; 1000 Genomes Project 0.00919.
gnomAD v4.1: 1,859 of 1,575,040 alleles (0.12%); highest among the groups gnomAD compares: South Asian, 2%; 39 homozygotes.

Submissions (3):

Labcorp Genetics (formerly Invitae), Labcorp
Classification: Benign. Last evaluated: 2026-01-29. Review status: criteria provided, single submitter. Criteria: Invitae Variant Classification Sherloc (09022015). Collection method: clinical testing. Allele origin: germline.

Illumina Laboratory Services, Illumina
Classification: Benign for Hepatoencephalopathy due to combined oxidative phosphorylation defect type 1. Last evaluated: 2018-01-13. Review status: criteria provided, single submitter. Criteria: ICSL Variant Classification Criteria 13 December 2019. Collection method: clinical testing. Allele origin: germline.
Comment: This variant was observed in the ICSL laboratory as part of a predisposition screen in an ostensibly healthy population. It had not been previously curated by ICSL or reported in the Human Gene Mutation Database (HGMD: prior to June 1st, 2018), and was therefore a candidate for classification through an automated scoring system. Utilizing variant allele frequency, disease prevalence and penetrance estimates, and inheritance mode, an automated score was calculated to assess if this variant is too frequent to cause the disease. Based on the score and internal cut-off values, a variant classified as benign is not then subjected to further curation. The score for this variant resulted in a classification of benign for this disease.

GeneDx
Classification: Benign. Last evaluated: 2017-09-18. Review status: criteria provided, single submitter. Criteria: GeneDx Variant Classification (06012015). Collection method: clinical testing. Allele origin: germline. Affected: yes.
Comment: This variant is considered likely benign or benign based on one or more of the following criteria: it is a conservative change, it occurs at a poorly conserved position in the protein, it is predicted to be benign by multiple in silico algorithms, and/or has population frequency not consistent with disease.